The following is an entry in ClinVar:

NM_000525.4(KCNJ11):c.1095C>T (p.Arg365=)

Gene: KCNJ11 (potassium inwardly rectifying channel subfamily J member 11; minus strand). Cytogenetic location: 11p15.1.
Variant type: single nucleotide variant.
Coding change: c.1095C>T on transcript NM_000525.4 (MANE Select); coding-DNA position 1095, C replaced by T.
Protein change: p.Arg365=; no amino-acid change (arginine 365 retained).
Molecular consequence: synonymous variant.
Genome position (GRCh38, 1-based): chr11:17,386,997, G>A on the plus strand (C>T on the coding strand, the complement: KCNJ11 is on the minus strand). VCF-style: chr11-17386997-G-A. GRCh37 (hg19) VCF-style: chr11-17408544-G-A.
Other names: c.834C>T, p.Arg278= (NM_001166290.2, NM_001377296.1, NM_001377297.1).
Identifiers: ClinVar variation 256362 (VCV000256362.27), dbSNP rs143276279, ClinGen allele CA5902184.

ClinVar aggregate classification (germline): Conflicting classifications of pathogenicity. Review status: criteria provided, conflicting classifications (1 of 4 stars). 11 submissions from 9 submitters: Uncertain significance (2); Benign (4); Likely benign (4). 1 of the submissions does not count toward it. Last evaluated 2026-01-28.

Conditions:
Inborn genetic diseases. Identifiers: MedGen C0950123, MeSH D030342.
Maturity-onset diabetes of the young type 13. Also called: MODY, TYPE 13. Identifiers: Orphanet 552, MedGen C4225365, MONDO:0014589, OMIM 616329.
Maturity-onset diabetes of the young (MODY). Also called: Maturity onset diabetes mellitus in young. Identifiers: Orphanet 552, MedGen C0342276, MONDO:0018911, HP:0004904.
Diabetes mellitus, transient neonatal, 3 (TNDM3). Identifiers: Orphanet 99886, MedGen C1864623, MONDO:0012522, OMIM 610582. Disease mechanism: loss of function.
Hyperinsulinemic hypoglycemia, familial, 2. Also called: HYPERINSULINEMIC HYPOGLYCEMIA, PERSISTENT; HYPERINSULINISM, NEONATAL. Identifiers: Orphanet 276580, Orphanet 276603, MedGen C2931833, MONDO:0011153, OMIM 601820. Disease mechanism: loss of function.
Permanent neonatal diabetes mellitus (PNDM). Identifiers: Orphanet 99885, MedGen C1833104, MONDO:0100164, MONDO:0011643. Disease mechanism: gain of function.

Allele frequency attached by ClinVar (database versions not stated): gnomAD exomes 0.00018 and 0.00035; ExAC 0.00045; 1000 Genomes Project 0.00060; 1000 Genomes Project 30x 0.00062; gnomAD 0.00167 and 0.00187; TOPMed 0.00196; ESP Exome Variant Server 0.00239.
gnomAD v4.1: 515 of 1,613,872 alleles (0.032%); highest among the groups gnomAD compares: African/African-American, 0.6%; 3 homozygotes.

Submissions (11):

Labcorp Genetics (formerly Invitae), Labcorp
Classification: Benign. Last evaluated: 2026-01-28. Review status: criteria provided, single submitter. Criteria: Invitae Variant Classification Sherloc (09022015). Collection method: clinical testing. Allele origin: germline.

Blueprint Genetics
Classification: Likely benign. Last evaluated: 2024-10-18. Review status: criteria provided, single submitter. Criteria: ACMG Guidelines, 2015. Collection method: clinical testing. Allele origin: germline.

Women's Health and Genetics/Laboratory Corporation of America, LabCorp
Classification: Likely benign. Last evaluated: 2023-08-10. Review status: criteria provided, single submitter. Criteria: LabCorp Variant Classification Summary - May 2015. Collection method: clinical testing. Allele origin: germline.

Ambry Genetics
Classification: Likely benign for Inborn genetic diseases. Last evaluated: 2022-12-04. Review status: criteria provided, single submitter. Criteria: Ambry Variant Classification Scheme 2023. Collection method: clinical testing. Allele origin: germline.

Illumina Laboratory Services, Illumina
Classification: Benign for Maturity-onset diabetes of the young type 13. Last evaluated: 2018-01-13. Review status: criteria provided, single submitter. Criteria: ICSL Variant Classification Criteria 13 December 2019. Collection method: clinical testing. Allele origin: germline.
Comment: This variant was observed in the ICSL laboratory as part of a predisposition screen in an ostensibly healthy population. It had not been previously curated by ICSL or reported in the Human Gene Mutation Database (HGMD: prior to June 1st, 2018), and was therefore a candidate for classification through an automated scoring system. Utilizing variant allele frequency, disease prevalence and penetrance estimates, and inheritance mode, an automated score was calculated to assess if this variant is too frequent to cause the disease. Based on the score and internal cut-off values, a variant classified as benign is not then subjected to further curation. The score for this variant resulted in a classification of benign for this disease.

Illumina Laboratory Services, Illumina
Classification: Benign for Diabetes mellitus, transient neonatal, 3. Last evaluated: 2018-01-13. Review status: criteria provided, single submitter. Criteria: ICSL Variant Classification Criteria 13 December 2019. Collection method: clinical testing. Allele origin: germline.
Comment: the same text as in the submission from Illumina Laboratory Services, Illumina above.

Illumina Laboratory Services, Illumina
Classification: Uncertain significance for Hyperinsulinemic hypoglycemia, familial, 2. Last evaluated: 2018-01-13. Review status: criteria provided, single submitter. Criteria: ICSL Variant Classification Criteria 13 December 2019. Collection method: clinical testing. Allele origin: germline.

Genetic Services Laboratory, University of Chicago
Classification: Likely benign. Last evaluated: 2016-08-30. Review status: criteria provided, single submitter. Criteria: ACMG Guidelines, 2015. Collection method: clinical testing. Allele origin: germline. Affected: no.

Clinical Genomics, Uppaluri K&H Personalized Medicine Clinic
Classification: Uncertain significance for Maturity-onset diabetes of the young. Review status: criteria provided, single submitter. Criteria: K & H Uppaluri Personalized Medicine Clinic Variant Classification & Assertion Criteria_Updated V.1. Collection method: research. Allele origin: somatic. Inheritance: Autosomal dominant inheritance.
Comment: Mutations in KCNJ11 gene can cause decreased production and secretion of insulin. This can lead to MODY which may be responsive to oral sulfonylureas. It is also associated with Neonatal Diabetes. However, no sufficient evidence is found to ascertain the role of this particular variant (rs143276279) in MODY yet.

PreventionGenetics, part of Exact Sciences
Classification: Benign. Review status: criteria provided, single submitter. Criteria: ACMG Guidelines, 2015. Collection method: clinical testing. Allele origin: germline.

Natera, Inc.
Classification: Likely benign for Permanent neonatal diabetes mellitus. Last evaluated: 2020-09-25. Review status: no assertion criteria provided. Collection method: clinical testing. Allele origin: germline. Not counted in ClinVar's aggregate classification.

Literature cited by the submitters: PubMed 18767144 (cited by Clinical Genomics, Uppaluri K&H Personalized Medicine Clinic); PubMed 26448950 (cited by Clinical Genomics, Uppaluri K&H Personalized Medicine Clinic); PubMed 15580558 (cited by Clinical Genomics, Uppaluri K&H Personalized Medicine Clinic); PubMed 15718250 (cited by Clinical Genomics, Uppaluri K&H Personalized Medicine Clinic); PubMed 32935446 (cited by Clinical Genomics, Uppaluri K&H Personalized Medicine Clinic); PubMed 22701567 (cited by Clinical Genomics, Uppaluri K&H Personalized Medicine Clinic).